The following is an entry in ClinVar:

NM_002382.5(MAX):c.375C>T (p.Asn125=)

Gene: MAX (MYC associated transcriptional regulator X; minus strand). Cytogenetic location: 14q23.3.
Variant type: single nucleotide variant.
Coding change: c.375C>T on transcript NM_002382.5 (MANE Select); coding-DNA position 375, C replaced by T.
Protein change: p.Asn125=; no amino-acid change (asparagine 125 retained).
Molecular consequence: synonymous variant. On other transcripts: 3 prime UTR variant (12), non-coding transcript variant (7), intron variant (2).
Genome position (GRCh38, 1-based): chr14:65,076,584, G>A on the plus strand (C>T on the coding strand, the complement: MAX is on the minus strand). VCF-style: chr14-65076584-G-A. GRCh37 (hg19) VCF-style: chr14-65543302-G-A.
Other names: c.186C>T, p.Asn62= (NM_001320415.2, NM_001407105.1, NM_001407106.1 and 1 more transcripts); c.375C>T, p.Asn125= (NM_001407094.1); c.348C>T, p.Asn116= (NM_001407095.1, NM_145112.3); c.*148C>T (NM_001407096.1, NM_001407099.1, NM_001407102.1 and 2 more transcripts); c.*164C>T (NM_001407097.1, NM_001407100.1, NM_001407101.1 and 4 more transcripts); c.267C>T, p.Asn89= (NM_001407098.1); c.174C>T, p.Asn58= (NM_001407111.1, NM_001407112.1); c.144+17124C>T (NM_001271069.2); and 1 more.
Identifiers: ClinVar variation 412780 (VCV000412780.20), dbSNP rs370238588, ClinGen allele CA7232801.

ClinVar aggregate classification (germline): Benign/Likely benign. Review status: criteria provided, multiple submitters, no conflicts (2 of 4 stars). 4 submissions from 4 submitters: Benign (1); Likely benign (2). 1 of the submissions does not count toward it. Last evaluated 2026-06-08.

Conditions:
MAX-related disorder. Also called: MAX-related condition.
Hereditary cancer-predisposing syndrome. Also called: Hereditary Cancer Syndrome; Neoplastic Syndromes, Hereditary; Hereditary neoplastic syndrome; Tumor predisposition. Identifiers: Orphanet 140162, MedGen C0027672, MeSH D009386, MONDO:0015356.
Hereditary pheochromocytoma and paraganglioma. Also called: Hereditary pheochromocytoma-paraganglioma; Hereditary Paraganglioma-Pheochromocytoma Syndromes; Hereditary paragangliomas and pheochromocytomas. Identifiers: Orphanet 29072, MedGen C4274332, MONDO:0017366.
Pheochromocytoma. Also called: MAX-Related Hereditary Paraganglioma-Pheochromocytoma Syndrome. Identifiers: Orphanet 29072, MedGen C0031511, MONDO:0008233, OMIM 171300, HP:0002666.

Allele frequency attached by ClinVar (database versions not stated): ExAC 0.00007; gnomAD 0.00001 and 0.00003; ESP Exome Variant Server 0.00008; TOPMed 0.00002; gnomAD exomes 0.00004.
gnomAD v4.1: 58 of 1,614,146 alleles (0.0036%); highest among the groups gnomAD compares: South Asian, 0.032%; no homozygotes.

Submissions (4):

Myriad Genetics, Inc.
Classification: Benign for Pheochromocytoma. Last evaluated: 2026-06-08. Review status: criteria provided, single submitter. Criteria: Myriad Autosomal Dominant, Autosomal Recessive and X-Linked Classification Criteria (2023). Collection method: clinical testing. Allele origin: unknown.
Comment: This variant is considered benign. This variant is a silent/synonymous amino acid change and it is not expected to impact splicing.

Labcorp Genetics (formerly Invitae), Labcorp
Classification: Likely benign for Hereditary pheochromocytoma and paraganglioma. Last evaluated: 2026-01-10. Review status: criteria provided, single submitter. Criteria: Invitae Variant Classification Sherloc (09022015). Collection method: clinical testing. Allele origin: germline.

Ambry Genetics
Classification: Likely benign for Hereditary cancer-predisposing syndrome. Last evaluated: 2015-06-28. Review status: criteria provided, single submitter. Criteria: Ambry Variant Classification Scheme 2023. Collection method: clinical testing. Allele origin: germline.

PreventionGenetics, part of Exact Sciences
Classification: Likely benign for MAX-related condition. Last evaluated: 2022-03-22. Review status: no assertion criteria provided. Collection method: clinical testing. Allele origin: germline. Not counted in ClinVar's aggregate classification.
Comment: This variant is classified as likely benign based on ACMG/AMP sequence variant interpretation guidelines (Richards et al. 2015 PMID: 25741868, with internal and published modifications).